The following is an entry in ClinVar:

NC_012920.1(MT-CYB):m.15110G>A

Gene: MT-CYB (mitochondrially encoded cytochrome b; plus strand).
Variant type: single nucleotide variant.
Genome position: chrM-15110-G-A.
Identifiers: ClinVar variation 693826 (VCV000693826.1), dbSNP rs28357685, ClinGen allele CA337100276.

ClinVar aggregate classification (germline): Benign (1 of 4 stars; one submission).

Conditions:
Leigh syndrome (NULS). Also called: Leigh's necrotizing encephalopathy; Leigh's disease; Leigh's syndrome; LEIGH SYNDROME, NUCLEAR; Leigh Syndrome (mtDNA deletion); Leigh Disease. Identifiers: Orphanet 506, MedGen C2931891, MONDO:0009723, OMIM 256000.

Submission:

Wong Mito Lab, Molecular and Human Genetics, Baylor College of Medicine
Classification: Benign for Leigh syndrome. Last evaluated: 2019-10-17. Review status: criteria provided, single submitter. Criteria: Modified ACMG Guidelines (Unpublished). Collection method: clinical testing. Allele origin: germline.
Comment: The NC_012920.1:m.15110G>A (YP_003024038.1:p.Ala122Thr) variant in MTCYB gene is interpretated to be a Benign variant based on the modified ACMG guidelines (unpublished). This variant meets the following evidence codes: BA1